The following is an entry in ClinVar:

ClinVar aggregate classification (germline): Uncertain significance. Review status: criteria provided, multiple submitters, no conflicts (2 of 4 stars). 2 submissions from 2 submitters: Uncertain significance (2). Last evaluated 2025-01-17.

Conditions:
Primary ciliary dyskinesia. Also called: Ciliary dyskinesia. Identifiers: Orphanet 244, MedGen C0008780, MONDO:0016575, HP:0012265.
Inborn genetic diseases. Identifiers: MedGen C0950123, MeSH D030342.

Allele frequency attached by ClinVar (database versions not stated): gnomAD 0.00001 and 0.00003; gnomAD exomes 0.00003 and 0.00011; TOPMed 0.00003; 1000 Genomes Project 0.00020; 1000 Genomes Project 30x 0.00031.

Submissions (2):

Ambry Genetics
Classification: Uncertain significance for Inborn genetic diseases. Last evaluated: 2025-01-17. Review status: criteria provided, single submitter. Criteria: Ambry Variant Classification Scheme 2023. Collection method: clinical testing. Allele origin: germline.

Labcorp Genetics (formerly Invitae), Labcorp
Classification: Uncertain significance for Primary ciliary dyskinesia. Last evaluated: 2023-12-22. Review status: criteria provided, single submitter. Criteria: Invitae Variant Classification Sherloc (09022015). Collection method: clinical testing. Allele origin: germline.
Comment: This sequence change replaces alanine, which is neutral and non-polar, with serine, which is neutral and polar, at codon 228 of the MCIDAS protein (p.Ala228Ser). This variant is present in population databases (rs533613049, gnomAD 0.008%). This variant has not been reported in the literature in individuals affected with MCIDAS-related conditions. ClinVar contains an entry for this variant (Variation ID: 1055384). Advanced modeling of protein sequence and biophysical properties (such as structural, functional, and spatial information, amino acid conservation, physicochemical variation, residue mobility, and thermodynamic stability) has been performed at Invitae for this missense variant, however the output from this modeling did not meet the statistical confidence thresholds required to predict the impact of this variant on MCIDAS protein function. In summary, the available evidence is currently insufficient to determine the role of this variant in disease. Therefore, it has been classified as a Variant of Uncertain Significance.

NM_001190787.3(MCIDAS):c.682G>T (p.Ala228Ser)

Gene: MCIDAS (multiciliate differentiation and DNA synthesis associated cell cycle protein; minus strand). Cytogenetic location: 5q11.2.
Variant type: single nucleotide variant.
Coding change: c.682G>T on transcript NM_001190787.3 (MANE Select); coding-DNA position 682, G replaced by T.
Protein change: p.Ala228Ser; replaces alanine 228 with serine.
Molecular consequence: missense variant.
Genome position (GRCh38, 1-based): chr5:55,221,051, C>A on the plus strand (G>T on the coding strand, the complement: MCIDAS is on the minus strand). VCF-style: chr5-55221051-C-A. GRCh37 (hg19) VCF-style: chr5-54516879-C-A.
Other names: c.682G>T (NM_001190787.1); short protein forms A228S.
Identifiers: ClinVar variation 1055384 (VCV001055384.6), dbSNP rs533613049, ClinGen allele CA118981593.